The following is an entry in ClinVar:

ClinVar aggregate classification (germline): Uncertain significance. Review status: criteria provided, multiple submitters, no conflicts (2 of 4 stars). 7 submissions from 7 submitters: Uncertain significance (5). 2 of the submissions do not count toward it. Last evaluated 2026-04-02.

Conditions:
Cardiovascular phenotype. Identifiers: MedGen CN230736.
Myofibrillar myopathy 6. Identifiers: Orphanet 199340, MedGen C2751831, MONDO:0013061, OMIM 612954.
Dilated cardiomyopathy 1HH (CMD1HH). Identifiers: Orphanet 154, MedGen C3151293, MONDO:0013479, OMIM 613881.

Allele frequency attached by ClinVar (database versions not stated): gnomAD exomes below 0.00001 and 0.00001; ExAC 0.00001; gnomAD 0.00001; TOPMed 0.00002.
gnomAD v4.1: 17 of 1,613,798 alleles (0.0011%); highest among the groups gnomAD compares: East Asian, 0.0022%; no homozygotes.

Submissions (7):

Women's Health and Genetics/Laboratory Corporation of America, LabCorp
Classification: Uncertain significance. Last evaluated: 2026-04-02. Review status: criteria provided, single submitter. Criteria: LabCorp Variant Classification Summary - May 2015. Collection method: clinical testing. Allele origin: germline.
Comment: Variant summary: BAG3 c.794C>T (p.Pro265Leu) results in a non-conservative amino acid change in the encoded protein sequence. Algorithms developed to predict the effect of missense changes on protein structure and function are either unavailable or do not agree on the potential impact of this missense change. The variant allele was found at a frequency of 4e-06 in 250430 control chromosomes. The available data on variant occurrences in the general population are insufficient to allow any conclusion about variant significance. To our knowledge, no occurrence of c.794C>T in individuals affected with BAG3-related conditions and no experimental evidence demonstrating its impact on protein function have been reported. ClinVar contains an entry for this variant (Variation ID: 410232). Based on the evidence outlined above, the variant was classified as uncertain significance.

GeneDx
Classification: Uncertain significance. Last evaluated: 2026-02-23. Review status: criteria provided, single submitter. Criteria: GeneDx Variant Classification Process June 2021. Collection method: clinical testing. Allele origin: germline.
Comment: Not observed at significant frequency in large population cohorts (gnomAD); In silico analysis supports that this missense variant has a deleterious effect on protein structure/function; Has not been previously published as pathogenic or benign to our knowledge

Blueprint Genetics
Classification: Uncertain significance. Last evaluated: 2024-10-03. Review status: criteria provided, single submitter. Criteria: ACMG Guidelines, 2015. Collection method: clinical testing. Allele origin: germline.

Labcorp Genetics (formerly Invitae), Labcorp
Classification: Uncertain significance for Dilated cardiomyopathy 1HH; Myofibrillar myopathy 6. Last evaluated: 2024-02-25. Review status: criteria provided, single submitter. Criteria: Invitae Variant Classification Sherloc (09022015). Collection method: clinical testing. Allele origin: germline.
Comment: This sequence change replaces proline, which is neutral and non-polar, with leucine, which is neutral and non-polar, at codon 265 of the BAG3 protein (p.Pro265Leu). This variant is present in population databases (rs769034041, gnomAD 0.0009%). This variant has not been reported in the literature in individuals affected with BAG3-related conditions. ClinVar contains an entry for this variant (Variation ID: 410232). Advanced modeling of protein sequence and biophysical properties (such as structural, functional, and spatial information, amino acid conservation, physicochemical variation, residue mobility, and thermodynamic stability) has been performed at Invitae for this missense variant, however the output from this modeling did not meet the statistical confidence thresholds required to predict the impact of this variant on BAG3 protein function. In summary, the available evidence is currently insufficient to determine the role of this variant in disease. Therefore, it has been classified as a Variant of Uncertain Significance.

Ambry Genetics
Classification: Uncertain significance for Cardiovascular phenotype. Last evaluated: 2024-01-09. Review status: criteria provided, single submitter. Criteria: Ambry Variant Classification Scheme 2023. Collection method: clinical testing. Allele origin: germline.
Comment: The p.P265L variant (also known as c.794C>T), located in coding exon 3 of the BAG3 gene, results from a C to T substitution at nucleotide position 794. The proline at codon 265 is replaced by leucine, an amino acid with similar properties. This amino acid position is highly conserved in available vertebrate species. In addition, the in silico prediction for this alteration is inconclusive. Since supporting evidence is limited at this time, the clinical significance of this alteration remains unclear.

Genome Diagnostics Laboratory, Amsterdam University Medical Center
Classification: Uncertain significance. Review status: no assertion criteria provided. Collection method: clinical testing. Allele origin: germline. Affected: yes. Study: VKGL Data-share Consensus. Not counted in ClinVar's aggregate classification.

Joint Genome Diagnostic Labs from Nijmegen and Maastricht, Radboudumc and MUMC+
Classification: Uncertain significance. Review status: no assertion criteria provided. Collection method: clinical testing. Allele origin: germline. Affected: yes. Study: VKGL Data-share Consensus. Not counted in ClinVar's aggregate classification.

NM_004281.4(BAG3):c.794C>T (p.Pro265Leu)

Gene: BAG3 (BAG cochaperone 3; plus strand). Cytogenetic location: 10q26.11.
Variant type: single nucleotide variant.
Coding change: c.794C>T on transcript NM_004281.4 (MANE Select); coding-DNA position 794, C replaced by T.
Protein change: p.Pro265Leu; replaces proline 265 with leucine.
Molecular consequence: missense variant.
Genome position (GRCh38, 1-based): chr10:119,672,541, C>T. VCF-style: chr10-119672541-C-T. GRCh37 (hg19) VCF-style: chr10-121432053-C-T.
Other names: short protein forms P265L.
Identifiers: ClinVar variation 410232 (VCV000410232.15), dbSNP rs769034041, ClinGen allele CA5716413.